The following is an entry in ClinVar:

ClinVar aggregate classification (germline): Uncertain significance (1 of 4 stars; one submission).

Conditions:
Lower motor neuron syndrome with late-adult onset (SMAJ). Also called: Spinal muscular atrophy, Jokela type; Late-Onset Spinal Motor Neuronopathy (SMAJ). Identifiers: Orphanet 276435, MedGen C3554398, MONDO:0014025, OMIM 615048.
Autosomal dominant mitochondrial myopathy with exercise intolerance (IMMD). Also called: Myopathy, isolated mitochondrial, autosomal dominant. Identifiers: Orphanet 457050, MedGen C4015513, MONDO:0014532, OMIM 616209.
Frontotemporal dementia and/or amyotrophic lateral sclerosis 2. Also called: FTDALS2. Identifiers: Orphanet 275872, MedGen C4014648, MONDO:0014395, OMIM 615911.

Allele frequency attached by ClinVar (database versions not stated): gnomAD exomes 0.00001; TOPMed 0.00001; ExAC 0.00001.
gnomAD v4.1: 7 of 1,613,378 alleles (0.00043%); highest among the groups gnomAD compares: Non-Finnish European, 0.00059%; no homozygotes.

Submission:

Labcorp Genetics (formerly Invitae), Labcorp
Classification: Uncertain significance for Lower motor neuron syndrome with late-adult onset; Frontotemporal dementia and/or amyotrophic lateral sclerosis 2; Autosomal dominant mitochondrial myopathy with exercise intolerance. Last evaluated: 2024-06-12. Review status: criteria provided, single submitter. Criteria: Invitae Variant Classification Sherloc (09022015). Collection method: clinical testing. Allele origin: germline.
Comment: This sequence change replaces glutamic acid, which is acidic and polar, with lysine, which is basic and polar, at codon 127 of the CHCHD10 protein (p.Glu127Lys). This variant is present in population databases (rs765753241, gnomAD 0.002%). This missense change has been observed in individual(s) with amyotrophic lateral sclerosis (PMID: 29789341). An algorithm developed to predict the effect of missense changes on protein structure and function (PolyPhen-2) suggests that this variant is likely to be disruptive. Experimental studies have shown that this missense change affects CHCHD10 function (PMID: 29789341). In summary, the available evidence is currently insufficient to determine the role of this variant in disease. Therefore, it has been classified as a Variant of Uncertain Significance.

Literature cited by the submitters: PubMed 29789341.

NM_213720.3(CHCHD10):c.379G>A (p.Glu127Lys)

Gene: CHCHD10 (coiled-coil-helix-coiled-coil-helix domain containing 10; minus strand). Cytogenetic location: 22q11.23.
Variant type: single nucleotide variant.
Coding change: c.379G>A on transcript NM_213720.3 (MANE Select); coding-DNA position 379, G replaced by A.
Protein change: p.Glu127Lys; replaces glutamic acid 127 with lysine.
Molecular consequence: missense variant. On other transcripts: non-coding transcript variant (2).
Genome position (GRCh38, 1-based): chr22:23,766,158, C>T on the plus strand (G>A on the coding strand, the complement: CHCHD10 is on the minus strand). VCF-style: chr22-23766158-C-T. GRCh37 (hg19) VCF-style: chr22-24108345-C-T.
Other names: c.400G>A, p.Glu134Lys (NM_001301339.2); short protein forms E134K, E127K.
Identifiers: ClinVar variation 2923047 (VCV002923047.3), dbSNP rs765753241, ClinGen allele CA10145250.